The following is an entry in ClinVar:

NM_006164.5(NFE2L2):c.1204G>T (p.Asp402Tyr)

Gene: NFE2L2 (NFE2 like bZIP transcription factor 2; minus strand). Cytogenetic location: 2q31.2.
Variant type: single nucleotide variant.
Coding change: c.1204G>T on transcript NM_006164.5 (MANE Select); coding-DNA position 1204, G replaced by T.
Protein change: p.Asp402Tyr; replaces aspartic acid 402 with tyrosine.
Molecular consequence: missense variant.
Genome position (GRCh38, 1-based): chr2:177,231,399, C>A on the plus strand (G>T on the coding strand, the complement: NFE2L2 is on the minus strand). VCF-style: chr2-177231399-C-A. GRCh37 (hg19) VCF-style: chr2-178096127-C-A.
Other names: c.1156G>T, p.Asp386Tyr (NM_001145412.3, NM_001313900.1, NM_001313901.1); c.1135G>T, p.Asp379Tyr (NM_001145413.3); c.1114G>T, p.Asp372Tyr (NM_001313902.2); c.985G>T, p.Asp329Tyr (NM_001313903.2); c.904G>T, p.Asp302Tyr (NM_001313904.1); short protein forms D302Y, D329Y, D372Y, D379Y, D386Y, D402Y.
Identifiers: ClinVar variation 1722149 (VCV001722149.5), dbSNP rs749922065, ClinGen allele CA349371402.

ClinVar aggregate classification (germline): Uncertain significance (1 of 4 stars; one submission).

Allele frequency attached by ClinVar (database versions not stated): gnomAD 0.00001.
gnomAD v4.1: 2 of 1,614,120 alleles (0.00012%); highest among the groups gnomAD compares: Non-Finnish European, 0.000085%; no homozygotes.

Submission:

Labcorp Genetics (formerly Invitae), Labcorp
Classification: Uncertain significance. Last evaluated: 2022-10-25. Review status: criteria provided, single submitter. Criteria: Invitae Variant Classification Sherloc (09022015). Collection method: clinical testing. Allele origin: germline.
Comment: In summary, the available evidence is currently insufficient to determine the role of this variant in disease. Therefore, it has been classified as a Variant of Uncertain Significance. Advanced modeling of protein sequence and biophysical properties (such as structural, functional, and spatial information, amino acid conservation, physicochemical variation, residue mobility, and thermodynamic stability) performed at Invitae indicates that this missense variant is not expected to disrupt NFE2L2 protein function. This variant has not been reported in the literature in individuals affected with NFE2L2-related conditions. This variant is present in population databases (no rsID available, gnomAD 0.006%). This sequence change replaces aspartic acid, which is acidic and polar, with tyrosine, which is neutral and polar, at codon 402 of the NFE2L2 protein (p.Asp402Tyr).